The following is an entry in ClinVar:

ClinVar aggregate classification (germline): Uncertain significance. Review status: criteria provided, multiple submitters, no conflicts (2 of 4 stars). 3 submissions from 3 submitters: Uncertain significance (3). Last evaluated 2024-12-07.

Conditions:
Aicardi-Goutieres syndrome 7 (AGS7). Identifiers: Orphanet 51, MedGen C3888244, MONDO:0014367, OMIM 615846.
Singleton-Merten syndrome 1 (SGMRT1). Also called: Widened medullary cavities of bone, aortic calcification, abnormal dentition, and muscular weakness; Syndrome of widened medullary cavities of the metacarpals and phalanges, aortic calcification and abnormal dentition. Identifiers: Orphanet 85191, MedGen C4225427, MONDO:0024535, OMIM 182250.

Submissions (3):

Labcorp Genetics (formerly Invitae), Labcorp
Classification: Uncertain significance for Aicardi-Goutieres syndrome 7; Singleton-Merten syndrome 1. Last evaluated: 2024-12-07. Review status: criteria provided, single submitter. Criteria: Invitae Variant Classification Sherloc (09022015). Collection method: clinical testing. Allele origin: germline.
Comment: This sequence change replaces arginine, which is basic and polar, with leucine, which is neutral and non-polar, at codon 186 of the IFIH1 protein (p.Arg186Leu). This variant is not present in population databases (gnomAD no frequency). This variant has not been reported in the literature in individuals affected with IFIH1-related conditions. ClinVar contains an entry for this variant (Variation ID: 1013413). Invitae Evidence Modeling of protein sequence and biophysical properties (such as structural, functional, and spatial information, amino acid conservation, physicochemical variation, residue mobility, and thermodynamic stability) has been performed for this missense variant. However, the output from this modeling did not meet the statistical confidence thresholds required to predict the impact of this variant on IFIH1 protein function. In summary, the available evidence is currently insufficient to determine the role of this variant in disease. Therefore, it has been classified as a Variant of Uncertain Significance.

GeneDx
Classification: Uncertain significance. Last evaluated: 2022-04-25. Review status: criteria provided, single submitter. Criteria: GeneDx Variant Classification Process June 2021. Collection method: clinical testing. Allele origin: germline. Affected: yes.
Comment: Not observed at significant frequency in large population cohorts (gnomAD); In silico analysis supports that this missense variant has a deleterious effect on protein structure/function; Has not been previously published as pathogenic or benign to our knowledge

CeGaT Center for Human Genetics Tuebingen
Classification: Uncertain significance. Last evaluated: 2020-11-01. Review status: criteria provided, single submitter. Criteria: CeGaT Center For Human Genetics Tuebingen Variant Classification Criteria Version 2. Collection method: clinical testing. Allele origin: germline. Affected: yes. Observed: 1 variant allele.

NM_022168.4(IFIH1):c.557G>T (p.Arg186Leu)

Gene: IFIH1 (interferon induced with helicase C domain 1; minus strand). Cytogenetic location: 2q24.2.
Variant type: single nucleotide variant.
Coding change: c.557G>T on transcript NM_022168.4 (MANE Select); coding-DNA position 557, G replaced by T.
Protein change: p.Arg186Leu; replaces arginine 186 with leucine.
Molecular consequence: missense variant.
Genome position (GRCh38, 1-based): chr2:162,310,830, C>A on the plus strand (G>T on the coding strand, the complement: IFIH1 is on the minus strand). VCF-style: chr2-162310830-C-A. GRCh37 (hg19) VCF-style: chr2-163167340-C-A.
Other names: short protein forms R186L.
Identifiers: ClinVar variation 1013413 (VCV001013413.42), dbSNP rs189443152, ClinGen allele CA349011082.
Genomic context (GRCh38, chr2:162,310,830, plus strand): 5'-TTGCTTTCTGAGCAATCAGAGCCTGTTAACTCTTGGACAAGTTCATTGTTTCCTGTTTGA[C>A]GAAGAACATTCAGAAATGCAGAGAACCAGTTTTCTTTCTGCACAATCCTTTTTAGTAGCT-3'
Protein context (NP_071451.2, residues 176-196): NWFSAFLNVL[Arg186Leu]QTGNNELVQE